The following is an entry in ClinVar:

ClinVar aggregate classification (germline): Pathogenic. Review status: criteria provided, multiple submitters, no conflicts (2 of 4 stars). 3 submissions from 3 submitters: Pathogenic (3). Last evaluated 2025-06-11.

Conditions:
Hereditary nonpolyposis colorectal neoplasms. Identifiers: MedGen C0009405, MeSH D003123.
Lynch syndrome 4 (LYNCH4). Also called: Colorectal cancer, hereditary nonpolyposis, type 4; Hereditary non-polyposis colorectal cancer, type 4. Identifiers: Orphanet 144, MedGen C1838333, MONDO:0013699, OMIM 614337. Disease mechanism: loss of function.
Hereditary cancer-predisposing syndrome. Also called: Neoplastic Syndromes, Hereditary; Tumor predisposition; Hereditary Cancer Syndrome; Hereditary neoplastic syndrome. Identifiers: Orphanet 140162, MedGen C0027672, MeSH D009386, MONDO:0015356.

Submissions (3):

Labcorp Genetics (formerly Invitae), Labcorp
Classification: Pathogenic for Hereditary nonpolyposis colorectal neoplasms. Last evaluated: 2025-06-11. Review status: criteria provided, single submitter. Criteria: Invitae Variant Classification Sherloc (09022015). Collection method: clinical testing. Allele origin: germline.
Comment: This sequence change creates a premature translational stop signal (p.Gln449*) in the PMS2 gene. It is expected to result in an absent or disrupted protein product. Loss-of-function variants in PMS2 are known to be pathogenic (PMID: 21376568, 24362816). This variant is not present in population databases (gnomAD no frequency). This premature translational stop signal has been observed in individual(s) with PMS2-related conditions (PMID: 32369273). ClinVar contains an entry for this variant (Variation ID: 484309). For these reasons, this variant has been classified as Pathogenic.

Ambry Genetics
Classification: Pathogenic for Hereditary cancer-predisposing syndrome. Last evaluated: 2023-06-16. Review status: criteria provided, single submitter. Criteria: Ambry Variant Classification Scheme 2023. Collection method: clinical testing. Allele origin: germline.
Comment: The p.Q449* pathogenic mutation (also known as c.1345C>T), located in coding exon 11 of the PMS2 gene, results from a C to T substitution at nucleotide position 1345. This changes the amino acid from a glutamine to a stop codon within coding exon 11. This variant has been identified in at least one proband whose Lynch syndrome-associated tumor demonstrated loss of PMS2 expression by immunohistochemistry (Ambry internal data). This alteration is expected to result in loss of function by premature protein truncation or nonsense-mediated mRNA decay. This variant is considered to be rare based on population cohorts in the Genome Aggregation Database (gnomAD).As such, this alteration is interpreted as a disease-causing mutation.

Baylor Genetics
Classification: Pathogenic for Lynch syndrome 4. Last evaluated: 2022-12-27. Review status: criteria provided, single submitter. Criteria: ACMG Guidelines, 2015. Collection method: clinical testing. Allele origin: unknown.

Literature cited by the submitters: PubMed 21376568 (cited by Labcorp Genetics (formerly Invitae), Labcorp); PubMed 24362816 (cited by Labcorp Genetics (formerly Invitae), Labcorp); PubMed 32369273 (cited by Labcorp Genetics (formerly Invitae), Labcorp).

NM_000535.7(PMS2):c.1345C>T (p.Gln449Ter)

Gene: PMS2 (PMS1 homolog 2, mismatch repair system component; minus strand). Cytogenetic location: 7p22.1.
Variant type: single nucleotide variant.
Coding change: c.1345C>T on transcript NM_000535.7 (MANE Select); coding-DNA position 1345, C replaced by T.
Protein change: p.Gln449Ter; replaces glutamine 449 with a stop codon.
Molecular consequence: nonsense. On other transcripts: non-coding transcript variant (1).
Genome position (GRCh38, 1-based): chr7:5,987,420, G>A on the plus strand (C>T on the coding strand, the complement: PMS2 is on the minus strand). VCF-style: chr7-5987420-G-A. GRCh37 (hg19) VCF-style: chr7-6027051-G-A.
Other names: c.940C>T, p.Gln314Ter (NM_001322003.2, NM_001322004.2, NM_001322005.2 and 1 more transcripts); c.1189C>T, p.Gln397Ter (NM_001322006.2); c.1027C>T, p.Gln343Ter (NM_001322007.2, NM_001322008.2); c.784C>T, p.Gln262Ter (NM_001322010.2); c.412C>T, p.Gln138Ter (NM_001322011.2, NM_001322012.2); c.772C>T, p.Gln258Ter (NM_001322013.2); c.1345C>T, p.Gln449Ter (NM_001322014.2); c.1036C>T, p.Gln346Ter (NM_001322015.2); short protein forms Q449*, Q258*, Q346*, Q343*, Q138*, Q262*, Q314*, Q397*.
Identifiers: ClinVar variation 484309 (VCV000484309.14), dbSNP rs876661256, ClinGen allele CA366742291.